The following is an entry in ClinVar:

NM_001367479.1(DNAH14):c.9839T>G (p.Leu3280Ter)

Gene: DNAH14 (dynein axonemal heavy chain 14; plus strand). Cytogenetic location: 1q42.12.
Variant type: single nucleotide variant.
Coding change: c.9839T>G on transcript NM_001367479.1 (MANE Select); coding-DNA position 9839, T replaced by G.
Protein change: p.Leu3280Ter; replaces leucine 3280 with a stop codon.
Molecular consequence: nonsense.
Genome position (GRCh38, 1-based): chr1:225,331,552, T>G. VCF-style: chr1-225331552-T-G. GRCh37 (hg19) VCF-style: chr1-225519254-T-G.
Other names: NM_001373.1:c.9560T>G; short protein forms L3280*.
Identifiers: ClinVar variation 2573943 (VCV002573943.2), dbSNP rs576283047, ClinGen allele CA1416582.

ClinVar aggregate classification (germline): Uncertain significance (1 of 4 stars; one submission).

Allele frequency attached by ClinVar (database versions not stated): TOPMed 0.00003; gnomAD 0.00009; gnomAD exomes 0.00016; 1000 Genomes Project 30x 0.00047; 1000 Genomes Project 0.00060; ExAC 0.00061.
gnomAD v4.1: 235 of 1,551,486 alleles (0.015%); highest among the groups gnomAD compares: South Asian, 0.26%; 2 homozygotes.

Submission:

GeneDx
Classification: Uncertain significance. Last evaluated: 2026-05-13. Review status: criteria provided, single submitter. Criteria: GeneDx Variant Classification Process June 2021. Collection method: clinical testing. Allele origin: germline.
Comment: Nonsense variant predicted to result in protein truncation or nonsense mediated decay in a gene or region of a gene for which loss of function is not a well-established mechanism of disease; Has not been previously published as pathogenic or benign to our knowledge